The following is an entry in ClinVar:

NM_000070.3(CAPN3):c.1585G>A (p.Ala529Thr)

Gene: CAPN3 (calpain 3; plus strand). Cytogenetic location: 15q15.1.
Variant type: single nucleotide variant.
Coding change: c.1585G>A on transcript NM_000070.3 (MANE Select); coding-DNA position 1585, G replaced by A.
Protein change: p.Ala529Thr; replaces alanine 529 with threonine.
Molecular consequence: missense variant.
Genome position (GRCh38, 1-based): chr15:42,402,842, G>A. VCF-style: chr15-42402842-G-A. GRCh37 (hg19) VCF-style: chr15-42695040-G-A.
Other names: p.Ala529Thr; c.1585G>A, p.Ala529Thr (NM_024344.2); c.1441G>A, p.Ala481Thr (NM_173087.2); c.49G>A, p.Ala17Thr (NM_173088.2); short protein forms A529T, A17T, A481T.
Identifiers: ClinVar variation 285138 (VCV000285138.62), dbSNP rs138857720, ClinGen allele CA7511443.

ClinVar aggregate classification (germline): Uncertain significance. Review status: criteria provided, multiple submitters, no conflicts (2 of 4 stars). 10 submissions from 10 submitters: Uncertain significance (10). Last evaluated 2025-08-18.

Conditions:
Muscular dystrophy, limb-girdle, autosomal dominant 4. Also called: MUSCULAR DYSTROPHY, LIMB-GIRDLE, TYPE 1I; Calpain-3-related limb-girdle muscular dystrophy D4. Identifiers: Orphanet 565909, MedGen C4748295, MONDO:0029133, OMIM 618129.
Autosomal recessive limb-girdle muscular dystrophy type 2A (LGMDR1). Also called: Limb-girdle muscular dystrophy, type 2A; Calpainopathy; Muscular dystrophy, limb-girdle, type 2A, Amish; LEYDEN-MOEBIUS MUSCULAR DYSTROPHY; MUSCULAR DYSTROPHY, PELVOFEMORAL. Identifiers: Orphanet 267, MedGen C1869123, MONDO:0009675, OMIM 253600. Disease mechanism: loss of function.

Allele frequency attached by ClinVar (database versions not stated): ExAC 0.00004; gnomAD 0.00005 and 0.00006; gnomAD exomes 0.00005 and 0.00006; TOPMed 0.00006; ESP Exome Variant Server 0.00008.

Submissions (10):

Women's Health and Genetics/Laboratory Corporation of America, LabCorp
Classification: Uncertain significance. Last evaluated: 2025-08-18. Review status: criteria provided, single submitter. Criteria: LabCorp Variant Classification Summary - May 2015. Collection method: clinical testing. Allele origin: germline.
Comment: Variant summary: CAPN3 c.1585G>A (p.Ala529Thr) results in a non-conservative amino acid change located in the subdomain III (IPR033883) of the encoded protein sequence. Algorithms developed to predict the effect of missense changes on protein structure and function all suggest that this variant is likely to be disruptive. The variant allele was found at a frequency of 6.4e-05 in 251440 control chromosomes. This frequency is not significantly higher than estimated for a pathogenic variant in CAPN3 causing Limb-Girdle Muscular Dystrophy, Autosomal Recessive (6.4e-05 vs 0.0032), allowing no conclusion about variant significance. c.1585G>A has been reported in one compound heterozygous individual affected with limb-girdle muscular dystrophy (Magri_2015), and in one heterozygous individual suspected to have the disease (Nallamilli_2018). These report(s) do not provide unequivocal conclusions about association of the variant with Limb-Girdle Muscular Dystrophy, Autosomal Recessive. To our knowledge, no experimental evidence demonstrating an impact on protein function has been reported. The following publications have been ascertained in the context of this evaluation (PMID: 30564623, 26404900). ClinVar contains an entry for this variant (Variation ID: 285138). Based on the evidence outlined above, the variant was classified as uncertain significance.

Labcorp Genetics (formerly Invitae), Labcorp
Classification: Uncertain significance for Autosomal recessive limb-girdle muscular dystrophy type 2A. Last evaluated: 2024-11-06. Review status: criteria provided, single submitter. Criteria: Invitae Variant Classification Sherloc (09022015). Collection method: clinical testing. Allele origin: germline.
Comment: This sequence change replaces alanine, which is neutral and non-polar, with threonine, which is neutral and polar, at codon 529 of the CAPN3 protein (p.Ala529Thr). This variant is present in population databases (rs138857720, gnomAD 0.01%). This missense change has been observed in individual(s) with clinical features of CAPN3-related conditions (PMID: 30564623). ClinVar contains an entry for this variant (Variation ID: 285138). Invitae Evidence Modeling of protein sequence and biophysical properties (such as structural, functional, and spatial information, amino acid conservation, physicochemical variation, residue mobility, and thermodynamic stability) indicates that this missense variant is not expected to disrupt CAPN3 protein function with a negative predictive value of 80%. In summary, the available evidence is currently insufficient to determine the role of this variant in disease. Therefore, it has been classified as a Variant of Uncertain Significance.

Blueprint Genetics
Classification: Uncertain significance. Last evaluated: 2024-09-12. Review status: criteria provided, single submitter. Criteria: ACMG Guidelines, 2015. Collection method: clinical testing. Allele origin: germline.

Mayo Clinic Laboratories, Mayo Clinic
Classification: Uncertain significance. Last evaluated: 2024-06-06. Review status: criteria provided, single submitter. Criteria: ACMG Guidelines, 2015. Collection method: clinical testing. Allele origin: germline. Observed: 1 variant allele.

Revvity Omics, Revvity
Classification: Uncertain significance. Last evaluated: 2023-09-23. Review status: criteria provided, single submitter. Criteria: ACMG Guidelines, 2015. Collection method: clinical testing. Allele origin: germline.

Fulgent Genetics
Classification: Uncertain significance for Autosomal recessive limb-girdle muscular dystrophy type 2A; Muscular dystrophy, limb-girdle, autosomal dominant 4. Last evaluated: 2022-01-18. Review status: criteria provided, single submitter. Criteria: ACMG Guidelines, 2015. Collection method: clinical testing. Allele origin: unknown.

Pars Genome Lab
Classification: Uncertain significance for Autosomal recessive limb-girdle muscular dystrophy type 2A. Last evaluated: 2021-05-18. Review status: criteria provided, single submitter. Criteria: ACMG Guidelines, 2015. Collection method: clinical testing. Allele origin: germline. Affected: no.

Illumina Laboratory Services, Illumina
Classification: Uncertain significance for Limb-girdle muscular dystrophy, type 2A. Last evaluated: 2018-01-13. Review status: criteria provided, single submitter. Criteria: ICSL Variant Classification Criteria 13 December 2019. Collection method: clinical testing. Allele origin: germline.

CeGaT Center for Human Genetics Tuebingen
Classification: Uncertain significance. Last evaluated: 2016-12-01. Review status: criteria provided, single submitter. Criteria: CeGaT Center For Human Genetics Tuebingen Variant Classification Criteria Version 2. Collection method: clinical testing. Allele origin: germline. Affected: yes. Observed: 1 variant allele.

Eurofins Ntd Llc (ga)
Classification: Uncertain significance. Last evaluated: 2015-12-03. Review status: criteria provided, single submitter. Criteria: EGL Classification Definitions 2015. Collection method: clinical testing. Allele origin: germline. Observed: 1 variant allele, 1 heterozygote.

Literature cited by the submitters: PubMed 30564623 (cited by 3 submitters); PubMed 26404900 (cited by Women's Health and Genetics/Laboratory Corporation of America, LabCorp).